The following is an entry in ClinVar:

ClinVar aggregate classification (germline): Pathogenic/Likely pathogenic. Review status: criteria provided, multiple submitters, no conflicts (2 of 4 stars). 4 submissions from 4 submitters: Pathogenic (2); Likely pathogenic (2). Last evaluated 2025-12-26.

Conditions:
Brody myopathy. Also called: BRODY DISEASE. Identifiers: Orphanet 53347, MedGen C1832918, MONDO:0010977, OMIM 601003.

Submissions (4):

Labcorp Genetics (formerly Invitae), Labcorp
Classification: Pathogenic for Brody myopathy. Last evaluated: 2025-12-26. Review status: criteria provided, single submitter. Criteria: Invitae Variant Classification Sherloc (09022015). Collection method: clinical testing. Allele origin: germline.
Comment: This sequence change creates a premature translational stop signal (p.Arg822Glyfs*49) in the ATP2A1 gene. It is expected to result in an absent or disrupted protein product. Loss-of-function variants in ATP2A1 are known to be pathogenic (PMID: 8841193, 10914677, 23911890). The frequency data for this variant in the population databases is considered unreliable, as metrics indicate poor data quality at this position in the gnomAD database. This variant has not been reported in the literature in individuals affected with ATP2A1-related conditions. ClinVar contains an entry for this variant (Variation ID: 464084). For these reasons, this variant has been classified as Pathogenic.

Revvity Omics, Revvity
Classification: Pathogenic for Brody myopathy. Last evaluated: 2024-11-13. Review status: criteria provided, single submitter. Criteria: ACMG Guidelines, 2015. Collection method: clinical testing. Allele origin: germline.

MGZ Medical Genetics Center
Classification: Likely pathogenic for Brody myopathy. Last evaluated: 2022-03-24. Review status: criteria provided, single submitter. Criteria: ACMG Guidelines, 2015. Collection method: clinical testing. Allele origin: germline. Affected: yes. Observed: 1 variant allele.
Comment: ACMG criteria applied: PVS1, PM2_SUP

GeneDx
Classification: Likely pathogenic. Last evaluated: 2017-12-14. Review status: criteria provided, single submitter. Criteria: GeneDx Variant Classification (06012015). Collection method: clinical testing. Allele origin: germline. Affected: yes.
Comment: The c.2464delC variant in the ATP2A1 gene has not been reported previously as a pathogenic variant nor as a benign variant, to our knowledge. The c.2464delC variant causes a frameshift starting with codon Arginine 822, changes this amino acid to a Glycine residue, and creates a premature Stop codon at position 49 of the new reading frame, denoted p.Arg822GlyfsX49. This variant is predicted to cause loss of normal protein function either through protein truncation or nonsense-mediated mRNA decay. The c.2464delC variant is not observed at a significant frequency in large population cohorts (Lek et al., 2016). We interpret c.2464delC as a likely pathogenic variant.

Literature cited by the submitters: PubMed 8841193 (cited by Labcorp Genetics (formerly Invitae), Labcorp); PubMed 10914677 (cited by Labcorp Genetics (formerly Invitae), Labcorp); PubMed 23911890 (cited by Labcorp Genetics (formerly Invitae), Labcorp).

NM_004320.6(ATP2A1):c.2464del (p.Arg822fs)

Gene: ATP2A1 (ATPase sarcoplasmic/endoplasmic reticulum Ca2+ transporting 1; plus strand). Cytogenetic location: 16p11.2.
Variant type: Deletion.
Coding change: c.2464del on transcript NM_004320.6 (MANE Select); coding-DNA position 2464, one base deleted (C; older notation c.2464delC).
Protein change: p.Arg822fs; shifts the reading frame from arginine 822.
Molecular consequence: frameshift variant.
Genome position (GRCh38, 1-based): chr16:28,902,326, C deleted; the last of 8 consecutive C bases (chr16:28,902,319-28,902,326); deleting any one gives the same sequence. VCF-style (leftmost placement, unchanged base first): chr16-28902318-GC-G. GRCh37 (hg19) VCF-style: chr16-28913639-GC-G.
Other names: c.2089del, p.Arg697fs (NM_001286075.2); c.2464del, p.Arg822fs (NM_173201.5); short protein forms R697fs, R822fs.
Identifiers: ClinVar variation 464084 (VCV000464084.13), dbSNP rs751365374, ClinGen allele CA7987263.
Genomic context (GRCh38, chr16:28,902,318, plus strand): 5'-CCGACGGGCTCCCAGCCACAGCCCTGGGCTTCAACCCACCAGACCTGGACATCATGGACC[GC>G]CCCCCCCGGAGCCCCAAGGAGCCCCTCATCAGTGGCTGGCTCTTCTTCCGCTACATGGCA-3'